The following is an entry in ClinVar:

NM_000059.4(BRCA2):c.9380G>A (p.Trp3127Ter)

Gene: BRCA2 (BRCA2 DNA repair associated; plus strand). Cytogenetic location: 13q13.1.
Variant type: single nucleotide variant.
Coding change: c.9380G>A on transcript NM_000059.4 (MANE Select); coding-DNA position 9380, G replaced by A.
Protein change: p.Trp3127Ter; replaces tryptophan 3127 with a stop codon.
Molecular consequence: nonsense.
Genome position (GRCh38, 1-based): chr13:32,394,812, G>A. VCF-style: chr13-32394812-G-A. GRCh37 (hg19) VCF-style: chr13-32968949-G-A.
Other names: 9608G>A; short protein forms W3127*.
Identifiers: ClinVar variation 38235 (VCV000038235.42), dbSNP rs80359211, ClinGen allele CA026126.

ClinVar aggregate classification (germline): Pathogenic. Review status: reviewed by expert panel (3 of 4 stars). 20 submissions from 20 submitters: Pathogenic (1). 19 of the submissions do not count toward it. Last evaluated 2016-09-08.

Conditions:
Breast and/or ovarian cancer. Identifiers: MedGen CN221562.
Hereditary cancer-predisposing syndrome. Also called: Tumor predisposition; Neoplastic Syndromes, Hereditary; Hereditary Cancer Syndrome; Hereditary neoplastic syndrome. Identifiers: Orphanet 140162, MedGen C0027672, MeSH D009386, MONDO:0015356.
Hereditary breast ovarian cancer syndrome. Also called: Hereditary breast and ovarian cancer syndrome (HBOC); Hereditary breast and ovarian cancer syndrome; Hereditary breast and ovarian cancer; Hereditary breast and/or ovarian cancer syndrome; Breast and ovarian cancer; BRCA1- and BRCA2-Associated Hereditary Breast and Ovarian Cancer. Identifiers: Orphanet 145, MedGen C0677776, MeSH D061325, MONDO:0003582. Disease mechanism: loss of function.
Breast-ovarian cancer, familial, susceptibility to, 2 (BROVCA2). Also called: BRCA2 Hereditary Breast and Ovarian Cancer. Identifiers: Orphanet 145, MedGen C2675520, MONDO:0012933, OMIM 612555. Disease mechanism: loss of function.
Breast-ovarian cancer, familial, susceptibility to, 1 (BROVCA1). Also called: OVARIAN CANCER, SUSCEPTIBILITY TO; BRCA1 Hereditary Breast and Ovarian Cancer. Identifiers: Orphanet 145, MedGen C2676676, MONDO:0011450, OMIM 604370. Disease mechanism: loss of function.
Familial cancer of breast. Also called: Hereditary breast cancer; hereditary breast carcinoma; BREAST CANCER, FAMILIAL. Identifiers: Orphanet 227535, MedGen C0346153, MONDO:0016419, OMIM 114480. Disease mechanism: loss of function.
Malignant tumor of breast. Also called: Malignant breast neoplasm; Cancer breast. Identifiers: MedGen C0006142, MONDO:0007254. Disease mechanism: loss of function.

Allele frequency attached by ClinVar (database versions not stated): gnomAD exomes below 0.00001.
gnomAD v4.1: 2 of 1,614,070 alleles (0.00012%); highest among the groups gnomAD compares: Non-Finnish European, 0.00017%; no homozygotes.

Submissions 1 to 9 of 20:

Evidence-based Network for the Interpretation of Germline Mutant Alleles (ENIGMA)
Classification: Pathogenic for Breast-ovarian cancer, familial, susceptibility to, 2. Last evaluated: 2016-09-08. Review status: reviewed by expert panel. Criteria: ENIGMA BRCA1/2 Classification Criteria (2015). Collection method: curation. Allele origin: germline.
Comment: Variant allele predicted to encode a truncated non-functional protein.

Biotechnology, Institute of Science, Nirma University
Classification: Pathogenic for Breast-ovarian cancer, familial, susceptibility to, 1. Last evaluated: 2026-02-18. Review status: criteria provided, single submitter. Criteria: ACMG Guidelines, 2015. Collection method: research. Allele origin: germline. Affected: yes. Observed: 1 heterozygote. Segregation with disease not observed. Not counted in ClinVar's aggregate classification.
Comment: This missense variant is present in exon 25 of the BRCA2 gene, that leads topremature truncation of protein at codon 3127. This variant has been earlier reported and documented in dbSNP and ClinVar databases, in cases of breast and ovarian cancer. The population frequency of the variant is not present in gnomAD. The in-silico predictions are shown to be damaging. Considering all these conditions, the variant has been classified as pathogenic.

Labcorp Genetics (formerly Invitae), Labcorp
Classification: Pathogenic for Hereditary breast ovarian cancer syndrome. Last evaluated: 2026-01-25. Review status: criteria provided, single submitter. Criteria: Invitae Variant Classification Sherloc (09022015). Collection method: clinical testing. Allele origin: germline. Not counted in ClinVar's aggregate classification.
Comment: This sequence change creates a premature translational stop signal (p.Trp3127*) in the BRCA2 gene. It is expected to result in an absent or disrupted protein product. Loss-of-function variants in BRCA2 are known to be pathogenic (PMID: 20104584). This variant is not present in population databases (gnomAD no frequency). This premature translational stop signal has been observed in individual(s) with breast cancer and/or ovarian cancer (PMID: 22752604, 25186627, 26187060, 27798748, 29470806). This variant is also known as c.9608G>A. ClinVar contains an entry for this variant (Variation ID: 38235). For these reasons, this variant has been classified as Pathogenic.

Mayo Clinic Laboratories, Mayo Clinic
Classification: Pathogenic. Last evaluated: 2025-10-07. Review status: criteria provided, single submitter. Criteria: ACMG Guidelines, 2015. Collection method: clinical testing. Allele origin: germline. Observed: 2 variant alleles. Not counted in ClinVar's aggregate classification.
Comment: PM2_supporting, PM5_strong, PVS1

GeneKor MSA
Classification: Pathogenic for Hereditary breast ovarian cancer syndrome. Last evaluated: 2025-06-25. Review status: criteria provided, single submitter. Criteria: ACMG Guidelines, 2015. Collection method: clinical testing. Allele origin: germline. Not counted in ClinVar's aggregate classification.
Comment: This sequence change creates a premature translational stop signal at codon 3127 of the BRCA2 protein -p. (Trp3127*). It is expected to result in an absent or disrupted protein product. Truncating variants in BRCA2 are known to be pathogenic (PMID:20104584). This variant is present in population databases (rs80359211) and has been described in an individual with a personal and family history of breast and/or ovarian cancer (PMID:22752604, 27798748, 25186627, 29470806). The mutation database ClinVar contains entries for this variant where it is listed as pathogenic (VCV000038235.40). Based on the classification criteria set by the ACMG and AMP (PMID:25741868) this variant has been classified as pathogenic.

Ambry Genetics
Classification: Pathogenic for Hereditary cancer-predisposing syndrome. Last evaluated: 2025-03-28. Review status: criteria provided, single submitter. Criteria: Ambry Variant Classification Scheme 2023. Collection method: clinical testing. Allele origin: germline. Not counted in ClinVar's aggregate classification.
Comment: The p.W3127* pathogenic mutation (also known as c.9380G>A), located in coding exon 24 of the BRCA2 gene, results from a G to A substitution at nucleotide position 9380. This changes the amino acid from a tryptophan to a stop codon within coding exon 24. This alteration has been identified in multiple individuals whose personal and/or family histories were concerning for hereditary breast and ovarian cancer syndrome (Juwle A et al. Med. Oncol. 2012 Dec;29:3272-81; Moran O et al. Breast Cancer Res. Treat. 2017 01;161:135-142; Tung N et al. Cancer. 2015 Jan;121:25-33; Singh J et al. Breast Cancer Res. Treat. 2018 Jul;170(1):189-196). This variant is considered to be rare based on population cohorts in the Genome Aggregation Database (gnomAD). In addition to the clinical data presented in the literature, this alteration is expected to result in loss of function by premature protein truncation or nonsense-mediated mRNA decay. As such, this alteration is interpreted as a disease-causing mutation.

Molecular Diagnostics Laboratory, Catalan Institute of Oncology
Classification: Pathogenic for Hereditary cancer-predisposing syndrome. Last evaluated: 2025-01-13. Review status: criteria provided, single submitter. Criteria: ClinGen BRCA1BRCA2 ACMG Specifications BRCA2 V1.0.0. Collection method: clinical testing. Allele origin: germline. Not counted in ClinVar's aggregate classification.
Comment: PVS1, PM2_supporting, PM5_PTC_strong c.9380G>A, located in exon 25 of the BRCA2 gene, is a nonsense variant expected to result in loss of function by premature protein truncation and nonsense-mediated mRNA decay (PVS1, PM5_PTC_Str). It is not present in the population database gnomAD v2.1.1, non cancer dataset (PM2_supporting). The SpliceAI algorithm predicts no significant impact on splicing. To our knowledge, neither relevant clinical data nor well-stablished functional studies have been reported for this variant. It has been reported in ClinVar as a pathogenic variant. Based on currently available information, the variant c.9380G>A should be considered a pathogenic variant.

KCCC/NGS Laboratory, Kuwait Cancer Control Center
Classification: Pathogenic for Breast-ovarian cancer, familial, susceptibility to, 2. Last evaluated: 2024-12-16. Review status: criteria provided, single submitter. Criteria: ACMG Guidelines, 2015. Collection method: clinical testing. Allele origin: germline. Inheritance: Autosomal dominant inheritance. Affected: yes. Observed: 1 heterozygote. Not counted in ClinVar's aggregate classification.
Comment: This sequence change creates a premature translational stop signal (p.Trp3127*) in the BRCA2 gene. It is expected to result in an absent or disrupted protein product.This premature translational stop signal has been observed in individual(s) with breast cancer and/or ovarian cancer (PMID: 22752604, 25186627, 26187060, 27798748, 29470806). ClinVar contains an entry for this variant (Variation ID: 38235). This variant is also known as c.9608G>A. This alteration is expected to result in loss of function by premature protein truncation or nonsense-mediated mRNA decay. Loss-of-function variants in BRCA2 are known to be pathogenic (PMID: 20104584). For these reasons, this variant has been classified as Pathogenic.

Women's Health and Genetics/Laboratory Corporation of America, LabCorp
Classification: Pathogenic for Hereditary breast ovarian cancer syndrome. Last evaluated: 2024-04-04. Review status: criteria provided, single submitter. Criteria: LabCorp Variant Classification Summary - May 2015. Collection method: clinical testing. Allele origin: germline. Not counted in ClinVar's aggregate classification.
Comment: Variant summary: BRCA2 c.9380G>A (p.Trp3127X) results in a premature termination codon, predicted to cause a truncation of the encoded protein or absence of the protein due to nonsense mediated decay, which are commonly known mechanisms for disease. The variant was absent in 251360 control chromosomes (gnomAD). c.9380G>A has been reported in the literature in individuals affected with Hereditary Breast And Ovarian Cancer Syndrome (examples: Juwle_2012, Tung_2014, Wang_2014, Moran_2017, Shah_2018). These data indicate that the variant is likely to be associated with disease. The following publications have been ascertained in the context of this evaluation (PMID: 22752604, 27798748, 29785135, 25186627, 25256924). ClinVar contains an entry for this variant (Variation ID: 38235). Based on the evidence outlined above, the variant was classified as pathogenic.